The following is an entry in ClinVar:

ClinVar aggregate classification (germline): Likely benign (1 of 4 stars; one submission).

Allele frequency attached by ClinVar (database versions not stated): 1000 Genomes Project 30x 0.00016; 1000 Genomes Project 0.00020; ExAC 0.00038; ESP Exome Variant Server 0.00062.
gnomAD v4.1: 1,304 of 1,613,420 alleles (0.081%); highest among the groups gnomAD compares: Non-Finnish European, 0.1%; 3 homozygotes.

Submission:

CeGaT Center for Human Genetics Tuebingen
Classification: Likely benign. Last evaluated: 2022-08-01. Review status: criteria provided, single submitter. Criteria: CeGaT Center For Human Genetics Tuebingen Variant Classification Criteria Version 2. Collection method: clinical testing. Allele origin: germline. Affected: yes. Observed: 1 variant allele.
Comment: AFF1: BP4, BP7

NM_001166693.3(AFF1):c.3363C>T (p.Ser1121=)

Gene: AFF1 (ALF transcription elongation factor 1; plus strand). Cytogenetic location: 4q22.1.
Variant type: single nucleotide variant.
Coding change: c.3363C>T on transcript NM_001166693.3 (MANE Select); coding-DNA position 3363, C replaced by T.
Protein change: p.Ser1121=; no amino-acid change (serine 1121 retained).
Molecular consequence: synonymous variant.
Genome position (GRCh38, 1-based): chr4:87,134,522, C>T. VCF-style: chr4-87134522-C-T. GRCh37 (hg19) VCF-style: chr4-88055674-C-T.
Other names: c.3342C>T, p.Ser1114= (NM_001313959.2); c.2256C>T, p.Ser752= (NM_001313960.2); c.3339C>T, p.Ser1113= (NM_005935.4).
Identifiers: ClinVar variation 2654890 (VCV002654890.24), dbSNP rs138900630, ClinGen allele CA2998932.
Genomic context (GRCh38, chr4:87,134,522, plus strand): 5'-ACCTCCCAGAAGCACAGGCACACCATCCCCTCTTTCCCCAATGCCTTCTCCTGCCAGCTC[C>T]GTAGGGTCCCAGTCAAGTGCTGGCAGTGTGGGGAGCAGTGGGGTGGCTGCCACTATCAGC-3'
Protein context (NP_001160165.1, residues 1111-1131): PLSPMPSPAS[Ser1121=]VGSQSSAGSV